The following is an entry in ClinVar:

ClinVar aggregate classification (germline): Benign (0 of 4 stars; one submission).

Conditions:
PTPRM-related disorder. Also called: PTPRM-related condition.

Allele frequency attached by ClinVar (database versions not stated): gnomAD exomes 0.02140; ExAC 0.03167; gnomAD 0.03794; ESP Exome Variant Server 0.03867; 1000 Genomes Project 0.03954; 1000 Genomes Project 30x 0.03966; TOPMed 0.04301.

Submission:

PreventionGenetics, part of Exact Sciences
Classification: Benign for PTPRM-related condition. Last evaluated: 2019-03-25. Review status: no assertion criteria provided. Collection method: clinical testing. Allele origin: germline.
Comment: This variant is classified as benign based on ACMG/AMP sequence variant interpretation guidelines (Richards et al. 2015 PMID: 25741868, with internal and published modifications).

NM_001105244.2(PTPRM):c.3744C>T (p.Ile1248=)

Gene: PTPRM (protein tyrosine phosphatase receptor type M; plus strand). Cytogenetic location: 18p11.23.
Variant type: single nucleotide variant.
Coding change: c.3744C>T on transcript NM_001105244.2 (MANE Select); coding-DNA position 3744, C replaced by T.
Protein change: p.Ile1248=; no amino-acid change (isoleucine 1248 retained).
Molecular consequence: synonymous variant.
Genome position (GRCh38, 1-based): chr18:8,379,298, C>T. VCF-style: chr18-8379298-C-T. GRCh37 (hg19) VCF-style: chr18-8379296-C-T.
Other names: c.3066C>T, p.Ile1022= (NM_001378142.1); c.3105C>T, p.Ile1035= (NM_001378143.1); c.3141C>T, p.Ile1047= (NM_001378144.1); c.3180C>T, p.Ile1060= (NM_001378145.1); c.3156C>T, p.Ile1052= (NM_001378146.1); c.3231C>T, p.Ile1077= (NM_001378147.1); c.3705C>T, p.Ile1235= (NM_002845.4).
Identifiers: ClinVar variation 3056312 (VCV003056312.2), dbSNP rs57391962, ClinGen allele CA8884837.